The following is an entry in ClinVar:

ClinVar aggregate classification (germline): Likely benign (1 of 4 stars; one submission).

Submission:

CeGaT Center for Human Genetics Tuebingen
Classification: Likely benign. Last evaluated: 2026-05-01. Review status: criteria provided, single submitter. Criteria: CeGaT Center For Human Genetics Tuebingen Variant Classification Criteria Version 2. Collection method: clinical testing. Allele origin: germline. Affected: yes. Observed: 1 variant allele.
Comment: SON: BP4, BP7

NM_138927.4(SON):c.654T>C (p.Ser218=)

Gene: SON (SON DNA and RNA binding protein; plus strand). Cytogenetic location: 21q22.11.
Variant type: single nucleotide variant.
Coding change: c.654T>C on transcript NM_138927.4 (MANE Select); coding-DNA position 654, T replaced by C.
Protein change: p.Ser218=; no amino-acid change (serine 218 retained).
Molecular consequence: synonymous variant. On other transcripts: non-coding transcript variant (1), intron variant (1).
Genome position (GRCh38, 1-based): chr21:33,549,885, T>C. VCF-style: chr21-33549885-T-C. GRCh37 (hg19) VCF-style: chr21-34922191-T-C.
Other names: c.654T>C, p.Ser218= (NM_001291411.2, NM_032195.3); c.244+3506T>C (NM_001291412.3).
Identifiers: ClinVar variation 4874931 (VCV004874931.2).
Genomic context (GRCh38, chr21:33,549,885, plus strand): 5'-GCCACACATCTTAGAAACTCTGAAGCCAGCTACAAAAACTGCAGAACTGTCAGTTGTATC[T>C]ACATCAGTAATCTCAGAGCAGTCAGAGCAGTCTGTGGCAGTAATGCCAGAACCATCCATG-3'
Protein context (NP_620305.3, residues 208-228): ATKTAELSVV[Ser218=]TSVISEQSEQ